The following is an entry in ClinVar:

NM_015046.7(SETX):c.7490G>A (p.Ser2497Asn)

Gene: SETX (senataxin; minus strand). Cytogenetic location: 9q34.13.
Variant type: single nucleotide variant.
Coding change: c.7490G>A on transcript NM_015046.7 (MANE Select); coding-DNA position 7490, G replaced by A.
Protein change: p.Ser2497Asn; replaces serine 2497 with asparagine.
Molecular consequence: missense variant.
Genome position (GRCh38, 1-based): chr9:132,264,783, C>T on the plus strand (G>A on the coding strand, the complement: SETX is on the minus strand). VCF-style: chr9-132264783-C-T. GRCh37 (hg19) VCF-style: chr9-135140170-C-T.
Other names: c.7490G>A, p.Ser2497Asn (NM_001351527.2); c.7577G>A, p.Ser2526Asn (NM_001351528.2); short protein forms S2497N, S2526N.
Identifiers: ClinVar variation 448347 (VCV000448347.27), dbSNP rs61735488, ClinGen allele CA5296378.
Genomic context (GRCh38, chr9:132,264,783, plus strand): 5'-TCCTTGGAGTCAGAGGGTGTGTGGTATAGAGAAGCAGCAACAGATGTCTTGGCAAATCCA[C>T]TGTCTAGCTTGCTGCTGGGCAAACCACCCTGGGGTCTGGACCCCTCTGGGGCTATGGTAG-3'
Protein context (NP_055861.3, residues 2487-2507): QGGLPSSKLD[Ser2497Asn]GFAKTSVAAS

ClinVar aggregate classification (germline): Conflicting classifications of pathogenicity. Review status: criteria provided, conflicting classifications (1 of 4 stars). 7 submissions from 7 submitters: Uncertain significance (2); Benign (1); Likely benign (3). 1 of the submissions does not count toward it. Last evaluated 2025-10-02.

Conditions:
Inborn genetic diseases. Identifiers: MedGen C0950123, MeSH D030342.
SETX-related disorder. Also called: SETX-related condition; SETX-related disorders. Identifiers: MedGen CN239403.
Amyotrophic lateral sclerosis type 4 (ALS4). Also called: AMYOTROPHIC LATERAL SCLEROSIS 4, JUVENILE; NEURONOPATHY, DISTAL HEREDITARY MOTOR, WITH PYRAMIDAL FEATURES. Identifiers: Orphanet 357043, MedGen C1865409, MONDO:0011223, OMIM 602433.
Spinocerebellar ataxia, autosomal recessive, with axonal neuropathy 2 (SCAN2). Also called: Ataxia with Oculomotor Apraxia; Ataxia-ocular apraxia-2; Ataxia with Oculomotor Apraxia Type 2; ATAXIA-OCULOMOTOR APRAXIA 2. Identifiers: Orphanet 64753, MedGen C1853761, MONDO:0018996, OMIM 606002.

Allele frequency attached by ClinVar (database versions not stated): ESP Exome Variant Server 0.00008; gnomAD 0.00011 and 0.00013; gnomAD exomes 0.00014 and 0.00026; ExAC 0.00021; TOPMed 0.00021.
gnomAD v4.1: 235 of 1,614,092 alleles (0.015%); highest among the groups gnomAD compares: Admixed American, 0.048%; no homozygotes.

Submissions (7):

Labcorp Genetics (formerly Invitae), Labcorp
Classification: Likely benign for Amyotrophic lateral sclerosis type 4; Spinocerebellar ataxia, autosomal recessive, with axonal neuropathy 2. Last evaluated: 2025-10-02. Review status: criteria provided, single submitter. Criteria: Invitae Variant Classification Sherloc (09022015). Collection method: clinical testing. Allele origin: germline.

Mayo Clinic Laboratories, Mayo Clinic
Classification: Likely benign. Last evaluated: 2024-12-10. Review status: criteria provided, single submitter. Criteria: ACMG Guidelines, 2015. Collection method: clinical testing. Allele origin: germline. Observed: 3 variant alleles.
Comment: BS1, BP4

Blueprint Genetics
Classification: Likely benign. Last evaluated: 2024-11-27. Review status: criteria provided, single submitter. Criteria: ACMG Guidelines, 2015. Collection method: clinical testing. Allele origin: germline.

GeneDx
Classification: Uncertain significance. Last evaluated: 2024-10-21. Review status: criteria provided, single submitter. Criteria: GeneDx Variant Classification Process June 2021. Collection method: clinical testing. Allele origin: germline. Affected: yes.
Comment: Observed in a child with cleft lip and palate who also harbored additional variants in genes related to the phenotype (PMID: 35385219); In silico analysis indicates that this missense variant does not alter protein structure/function; This variant is associated with the following publications: (PMID: 35385219)

Ambry Genetics
Classification: Uncertain significance for Inborn genetic diseases. Last evaluated: 2020-11-25. Review status: criteria provided, single submitter. Criteria: Ambry Variant Classification Scheme 2023. Collection method: clinical testing. Allele origin: germline.
Comment: The p.S2497N variant (also known as c.7490G>A), located in coding exon 24 of the SETX gene, results from a G to A substitution at nucleotide position 7490. The serine at codon 2497 is replaced by asparagine, an amino acid with highly similar properties. This amino acid position is not well conserved in available vertebrate species. In addition, this alteration is predicted to be tolerated by in silico analysis. Based on the supporting evidence, this variant is unlikely to be causative of autosomal dominant juvenile amyotrophic lateral sclerosis 4; however, its contribution to the development of autosomal recessive spinocerebellar ataxia with axonal neuropathy 2 is uncertain.

Athena Diagnostics
Classification: Benign. Last evaluated: 2020-11-16. Review status: criteria provided, single submitter. Criteria: Athena Diagnostics criteria. Collection method: clinical testing. Allele origin: unknown.

PreventionGenetics, part of Exact Sciences
Classification: Likely benign for SETX-related condition. Last evaluated: 2022-11-28. Review status: no assertion criteria provided. Collection method: clinical testing. Allele origin: germline. Not counted in ClinVar's aggregate classification.
Comment: This variant is classified as likely benign based on ACMG/AMP sequence variant interpretation guidelines (Richards et al. 2015 PMID: 25741868, with internal and published modifications).